The following is an entry in ClinVar:

NM_006947.4(SRP72):c.190G>T (p.Ala64Ser)

Gene: SRP72 (signal recognition particle 72; plus strand). Cytogenetic location: 4q12.
Variant type: single nucleotide variant.
Coding change: c.190G>T on transcript NM_006947.4 (MANE Select); coding-DNA position 190, G replaced by T.
Protein change: p.Ala64Ser; replaces alanine 64 with serine.
Molecular consequence: missense variant. On other transcripts: non-coding transcript variant (1).
Genome position (GRCh38, 1-based): chr4:56,469,733, G>T. VCF-style: chr4-56469733-G-T. GRCh37 (hg19) VCF-style: chr4-57335899-G-T.
Other names: c.190G>T, p.Ala64Ser (NM_001267722.2); short protein forms A64S.
Identifiers: ClinVar variation 4841447 (VCV004841447.1).
Genomic context (GRCh38, chr4:56,469,733, plus strand): 5'-GACGTAACTGCCCTGCATTGTAAAGTGGTATGCCTTATCCAGAATGGAAGTTTCAAGGAA[G>T]CTTTGAATGTCATCAATACTCACACCAAAGTGTTAGCCAAGTAAGTGATTCAGTTAGTTG-3'
Protein context (NP_008878.3, residues 54-74): CLIQNGSFKE[Ala64Ser]LNVINTHTKV

ClinVar aggregate classification (germline): Uncertain significance (1 of 4 stars; one submission).

gnomAD v4.1: 3 of 1,612,738 alleles (0.00019%); highest among the groups gnomAD compares: Admixed American, 0.0033%; no homozygotes.

Submission:

Ambry Genetics
Classification: Uncertain significance. Last evaluated: 2025-12-19. Review status: criteria provided, single submitter. Criteria: Ambry Variant Classification Scheme 2023. Collection method: clinical testing. Allele origin: germline.
Comment: The p.A64S variant (also known as c.190G>T), located in coding exon 2 of the SRP72 gene, results from a G to T substitution at nucleotide position 190. The alanine at codon 64 is replaced by serine, an amino acid with similar properties. This amino acid position is conserved. In addition, this alteration is predicted to be deleterious by in silico analysis. Based on the available evidence, the clinical significance of this variant remains unclear.